The following is an entry in ClinVar:

NM_001371727.1(GABRB2):c.984C>T (p.Tyr328=)

Gene: GABRB2 (gamma-aminobutyric acid type A receptor subunit beta2; minus strand). Cytogenetic location: 5q34.
Variant type: single nucleotide variant.
Coding change: c.984C>T on transcript NM_001371727.1 (MANE Select); coding-DNA position 984, C replaced by T.
Protein change: p.Tyr328=; no amino-acid change (tyrosine 328 retained).
Molecular consequence: synonymous variant.
Genome position (GRCh38, 1-based): chr5:161,330,976, G>A on the plus strand (C>T on the coding strand, the complement: GABRB2 is on the minus strand). VCF-style: chr5-161330976-G-A. GRCh37 (hg19) VCF-style: chr5-160757983-G-A.
Other names: c.984C>T, p.Tyr328= (NM_000813.3, NM_021911.3).
Identifiers: ClinVar variation 388364 (VCV000388364.19), dbSNP rs140538607, ClinGen allele CA3543454.

ClinVar aggregate classification (germline): Benign/Likely benign. Review status: criteria provided, multiple submitters, no conflicts (2 of 4 stars). 5 submissions from 5 submitters: Benign (3); Likely benign (1). 1 of the submissions does not count toward it. Last evaluated 2026-01-27.

Conditions:
Developmental and epileptic encephalopathy 92. Also called: EPILEPTIC ENCEPHALOPATHY, INFANTILE OR EARLY CHILDHOOD, 2. Identifiers: MedGen C4693362, MONDO:0020631, OMIM 617829.
GABRB2-related disorder. Also called: GABRB2-related condition.
Intellectual disability. Also called: Intellectual developmental disorder; Intellectual functioning disability; intellectual disabilities. Identifiers: MedGen C3714756, MeSH D008607, MONDO:0001071, HP:0001249.

Allele frequency attached by ClinVar (database versions not stated): gnomAD exomes 0.00011 and 0.00039; ExAC 0.00048; ESP Exome Variant Server 0.00123; gnomAD 0.00124; TOPMed 0.00165; 1000 Genomes Project 30x 0.00203; 1000 Genomes Project 0.00220.
gnomAD v4.1: 365 of 1,614,180 alleles (0.023%); highest among the groups gnomAD compares: African/African-American, 0.42%; 1 homozygote.

Submissions (5):

Labcorp Genetics (formerly Invitae), Labcorp
Classification: Benign for Intellectual disability. Last evaluated: 2026-01-27. Review status: criteria provided, single submitter. Criteria: Invitae Variant Classification Sherloc (09022015). Collection method: clinical testing. Allele origin: germline.

ARUP Laboratories, Molecular Genetics and Genomics, ARUP Laboratories
Classification: Benign for Developmental and epileptic encephalopathy 92. Last evaluated: 2025-03-06. Review status: criteria provided, single submitter. Criteria: ARUP Molecular Germline Variant Investigation Process 2024. Collection method: clinical testing. Allele origin: germline.

Blueprint Genetics
Classification: Likely benign. Last evaluated: 2024-06-26. Review status: criteria provided, single submitter. Criteria: ACMG Guidelines, 2015. Collection method: clinical testing. Allele origin: germline.

GeneDx
Classification: Benign. Last evaluated: 2019-05-22. Review status: criteria provided, single submitter. Criteria: GeneDx Variant Classification Process June 2021. Collection method: clinical testing. Allele origin: germline. Affected: yes.

PreventionGenetics, part of Exact Sciences
Classification: Benign for GABRB2-related condition. Last evaluated: 2019-07-18. Review status: no assertion criteria provided. Collection method: clinical testing. Allele origin: germline. Not counted in ClinVar's aggregate classification.
Comment: This variant is classified as benign based on ACMG/AMP sequence variant interpretation guidelines (Richards et al. 2015 PMID: 25741868, with internal and published modifications).